The following is an entry in ClinVar:

NM_152703.5(SAMD9L):c.1076G>A (p.Arg359Gln)

Gene: SAMD9L (sterile alpha motif domain containing 9 like; minus strand). Cytogenetic location: 7q21.2.
Variant type: single nucleotide variant.
Coding change: c.1076G>A on transcript NM_152703.5 (MANE Select); coding-DNA position 1076, G replaced by A.
Protein change: p.Arg359Gln; replaces arginine 359 with glutamine.
Molecular consequence: missense variant.
Genome position (GRCh38, 1-based): chr7:93,134,896, C>T on the plus strand (G>A on the coding strand, the complement: SAMD9L is on the minus strand). VCF-style: chr7-93134896-C-T. GRCh37 (hg19) VCF-style: chr7-92764209-C-T.
Other names: c.1076G>A, p.Arg359Gln (NM_001303496.3, NM_001303497.3, NM_001303498.3 and 5 more transcripts); short protein forms R359Q.
Identifiers: ClinVar variation 1467903 (VCV001467903.33), dbSNP rs776780720, ClinGen allele CA4343767.

ClinVar aggregate classification (germline): Uncertain significance (1 of 4 stars; one submission).

Allele frequency attached by ClinVar (database versions not stated): gnomAD exomes 0.00001 and 0.00002; TOPMed 0.00001; ExAC 0.00001; gnomAD 0.00001.

Submission:

Labcorp Genetics (formerly Invitae), Labcorp
Classification: Uncertain significance. Last evaluated: 2025-10-14. Review status: criteria provided, single submitter. Criteria: Invitae Variant Classification Sherloc (09022015). Collection method: clinical testing. Allele origin: germline.
Comment: This sequence change replaces arginine, which is basic and polar, with glutamine, which is neutral and polar, at codon 359 of the SAMD9L protein (p.Arg359Gln). This variant is present in population databases (rs776780720, gnomAD 0.002%). This missense change has been observed in individual(s) with ataxia-pancytopenia syndrome and/or immunoregulatory disorder (PMID: 31015479, 37946251). ClinVar contains an entry for this variant (Variation ID: 1467903). An algorithm developed to predict the effect of missense changes on protein structure and function outputs the following: PolyPhen-2: "Benign". The glutamine amino acid residue is found in multiple mammalian species, which suggests that this missense change does not adversely affect protein function. In summary, the available evidence is currently insufficient to determine the role of this variant in disease. Therefore, it has been classified as a Variant of Uncertain Significance.

Literature cited by the submitters: PubMed 31015479; PubMed 37946251.